The following is an entry in ClinVar:

NM_014822.4(SEC24D):c.2614C>T (p.Leu872=)

Gene: SEC24D (SEC24 homolog D, COPII component; minus strand). Cytogenetic location: 4q26.
Variant type: single nucleotide variant.
Coding change: c.2614C>T on transcript NM_014822.4 (MANE Select); coding-DNA position 2614, C replaced by T.
Protein change: p.Leu872=; no amino-acid change (leucine 872 retained).
Molecular consequence: synonymous variant.
Genome position (GRCh38, 1-based): chr4:118,732,795, G>A on the plus strand (C>T on the coding strand, the complement: SEC24D is on the minus strand). VCF-style: chr4-118732795-G-A. GRCh37 (hg19) VCF-style: chr4-119653950-G-A.
Other names: c.2617C>T, p.Leu873= (NM_001318066.2).
Identifiers: ClinVar variation 3030036 (VCV003030036.3), dbSNP rs201125975, ClinGen allele CA3056924.

ClinVar aggregate classification (germline): Likely benign. Review status: criteria provided, single submitter (1 of 4 stars). 2 submissions from 2 submitters: Likely benign (1). 1 of the submissions does not count toward it. Last evaluated 2025-08-08.

Conditions:
SEC24D-related disorder. Also called: SEC24D-related condition.

Allele frequency attached by ClinVar (database versions not stated): ExAC 0.00001; gnomAD 0.00002; gnomAD exomes 0.00002; TOPMed 0.00002.
gnomAD v4.1: 30 of 1,614,048 alleles (0.0019%); highest among the groups gnomAD compares: Non-Finnish European, 0.0025%; no homozygotes.

Submissions (2):

Labcorp Genetics (formerly Invitae), Labcorp
Classification: Likely benign. Last evaluated: 2025-08-08. Review status: criteria provided, single submitter. Criteria: Invitae Variant Classification Sherloc (09022015). Collection method: clinical testing. Allele origin: germline.

PreventionGenetics, part of Exact Sciences
Classification: Likely benign for SEC24D-related condition. Last evaluated: 2021-09-03. Review status: no assertion criteria provided. Collection method: clinical testing. Allele origin: germline. Not counted in ClinVar's aggregate classification.
Comment: This variant is classified as likely benign based on ACMG/AMP sequence variant interpretation guidelines (Richards et al. 2015 PMID: 25741868, with internal and published modifications).